The following is an entry in ClinVar:

ClinVar aggregate classification (germline): Uncertain significance (1 of 4 stars; one submission).

Conditions:
Early-onset Lafora body disease. Also called: Epilepsy, progressive myoclonic, 10. Identifiers: Orphanet 324290, MedGen C4225258, MONDO:0014717, OMIM 616640.

Submission:

Labcorp Genetics (formerly Invitae), Labcorp
Classification: Uncertain significance for Early-onset Lafora body disease. Last evaluated: 2021-05-03. Review status: criteria provided, single submitter. Criteria: Invitae Variant Classification Sherloc (09022015). Collection method: clinical testing. Allele origin: germline.
Comment: This sequence change replaces alanine with threonine at codon 483 of the PRDM8 protein (p.Ala483Thr). The alanine residue is weakly conserved and there is a small physicochemical difference between alanine and threonine. In summary, the available evidence is currently insufficient to determine the role of this variant in disease. Therefore, it has been classified as a Variant of Uncertain Significance. Algorithms developed to predict the effect of missense changes on protein structure and function are either unavailable or do not agree on the potential impact of this missense change (SIFT: "Deleterious"; PolyPhen-2: "Benign"; Align-GVGD: "Class C0"). This variant has not been reported in the literature in individuals with PRDM8-related conditions. The frequency data for this variant in the population databases is considered unreliable, as metrics indicate insufficient coverage at this position in the ExAC database.

NM_001099403.2(PRDM8):c.1447G>A (p.Ala483Thr)

Gene: PRDM8 (PR/SET domain 8; plus strand). Cytogenetic location: 4q21.21.
Variant type: single nucleotide variant.
Coding change: c.1447G>A on transcript NM_001099403.2 (MANE Select); coding-DNA position 1447, G replaced by A.
Protein change: p.Ala483Thr; replaces alanine 483 with threonine.
Molecular consequence: missense variant.
Genome position (GRCh38, 1-based): chr4:80,202,909, G>A. VCF-style: chr4-80202909-G-A. GRCh37 (hg19) VCF-style: chr4-81124063-G-A.
Other names: c.1447G>A, p.Ala483Thr (NM_020226.4); short protein forms A483T.
Identifiers: ClinVar variation 1412119 (VCV001412119.8), dbSNP rs544862921, ClinGen allele CA357400819.
Genomic context (GRCh38, chr4:80,202,909, plus strand): 5'-GTGCCGCAGCTGGGCAGCGCGGGCAGCACCAGCGGTGGGGGCGGAACGGGCGCCGGGGCC[G>A]CAGGCGGCGCGGGCGGGGGCCAGGGCGCCGCGTCGGACGAGCGCAAAAGCGCCTTCTCGC-3'
Protein context (NP_001092873.1, residues 473-493): SGGGGTGAGA[Ala483Thr]GGAGGGQGAA